The following is an entry in ClinVar:

ClinVar aggregate classification (germline): Uncertain significance (1 of 4 stars; one submission).

Conditions:
Primary dilated cardiomyopathy (DCM). Also called: Dilated Cardiomyopathy. Identifiers: Orphanet 217604, MedGen C0007193, MeSH D002311, MONDO:0005021, HP:0001644. Inheritance: Various modes of inheritance.

Submission:

Labcorp Genetics (formerly Invitae), Labcorp
Classification: Uncertain significance for Primary dilated cardiomyopathy. Last evaluated: 2020-08-26. Review status: criteria provided, single submitter. Criteria: Invitae Variant Classification Sherloc (09022015). Collection method: clinical testing. Allele origin: germline.
Comment: This variant is not present in population databases (ExAC no frequency). This sequence change replaces asparagine with lysine at codon 99 of the NEBL protein (p.Asn99Lys). The asparagine residue is moderately conserved and there is a moderate physicochemical difference between asparagine and lysine. This variant has not been reported in the literature in individuals with NEBL-related conditions. Algorithms developed to predict the effect of missense changes on protein structure and function are either unavailable or do not agree on the potential impact of this missense change (SIFT: "Tolerated"; PolyPhen-2: "Probably Damaging"; Align-GVGD: "Class C0"). In summary, the available evidence is currently insufficient to determine the role of this variant in disease. Therefore, it has been classified as a Variant of Uncertain Significance.

NM_006393.3(NEBL):c.297T>G (p.Asn99Lys)

Gene: NEBL (nebulette; minus strand). Cytogenetic location: 10p12.31.
Variant type: single nucleotide variant.
Coding change: c.297T>G on transcript NM_006393.3 (MANE Select); coding-DNA position 297, T replaced by G.
Protein change: p.Asn99Lys; replaces asparagine 99 with lysine.
Molecular consequence: missense variant. On other transcripts: intron variant (9).
Genome position (GRCh38, 1-based): chr10:20,888,169, A>C on the plus strand (T>G on the coding strand, the complement: NEBL is on the minus strand). VCF-style: chr10-20888169-A-C. GRCh37 (hg19) VCF-style: chr10-21177098-A-C.
Other names: c.249+73503T>G (NM_001377326.1, NM_001377327.1, NM_001377328.1); c.357+73503T>G (NM_213569.2, NM_001173484.2, NM_001377322.1); c.300+73503T>G (NM_001377324.1); c.291+73503T>G (NM_001377325.1); c.309+73503T>G (NM_001377323.1); short protein forms N99K.
Identifiers: ClinVar variation 946885 (VCV000946885.10), dbSNP rs1363794425, ClinGen allele CA376096251.
Genomic context (GRCh38, chr10:20,888,169, plus strand): 5'-CTGTGTAACTTCTCCTGCAAAAACACTGTCAATTGTGGCTGGCATCCGCTTATAAAGAGA[A>C]TTAGAAAGGTCAGCTTTAATGGTGCCTTTGTATTTTGCCTGGGGGAAAAAAAAACAGGAA-3'
Protein context (NP_006384.1, residues 89-109): YKGTIKADLS[Asn99Lys]SLYKRMPATI